The following is an entry in ClinVar:

ClinVar aggregate classification (germline): Uncertain significance. Review status: criteria provided, multiple submitters, no conflicts (2 of 4 stars). 2 submissions from 2 submitters: Uncertain significance (2). Last evaluated 2025-09-16.

Conditions:
Inborn genetic diseases. Identifiers: MedGen C0950123, MeSH D030342.

gnomAD v4.1: 4 of 1,550,304 alleles (0.00026%); highest among the groups gnomAD compares: East Asian, 0.0024%; no homozygotes.

Submissions (2):

Mayo Clinic Laboratories, Mayo Clinic
Classification: Uncertain significance. Last evaluated: 2025-09-16. Review status: criteria provided, single submitter. Criteria: ACMG Guidelines, 2015. Collection method: clinical testing. Allele origin: germline. Observed: 1 variant allele.
Comment: BP4_moderate, PM2_supporting

Ambry Genetics
Classification: Uncertain significance for Inborn genetic diseases. Last evaluated: 2025-04-14. Review status: criteria provided, single submitter. Criteria: Ambry Variant Classification Scheme 2023. Collection method: clinical testing. Allele origin: germline.

NM_001142864.4(PIEZO1):c.3617G>C (p.Arg1206Thr)

Gene: PIEZO1 (piezo type mechanosensitive ion channel component 1 (Er blood group); minus strand). Cytogenetic location: 16q24.3.
Variant type: single nucleotide variant.
Coding change: c.3617G>C on transcript NM_001142864.4 (MANE Select); coding-DNA position 3617, G replaced by C.
Protein change: p.Arg1206Thr; replaces arginine 1206 with threonine.
Molecular consequence: missense variant.
Genome position (GRCh38, 1-based): chr16:88,726,797, C>G on the plus strand (G>C on the coding strand, the complement: PIEZO1 is on the minus strand). VCF-style: chr16-88726797-C-G. GRCh37 (hg19) VCF-style: chr16-88793205-C-G.
Other names: p.Arg1206Thr; short protein forms R1206T.
Identifiers: ClinVar variation 3932097 (VCV003932097.2).